The following is an entry in ClinVar:

NM_002474.3(MYH11):c.3563G>T (p.Arg1188Leu)

Gene: MYH11 (myosin heavy chain 11; minus strand). Cytogenetic location: 16p13.11.
Variant type: single nucleotide variant.
Coding change: c.3563G>T on transcript NM_002474.3 (MANE Select); coding-DNA position 3563, G replaced by T.
Protein change: p.Arg1188Leu; replaces arginine 1188 with leucine.
Molecular consequence: missense variant.
Genome position (GRCh38, 1-based): chr16:15,732,652, C>A on the plus strand (G>T on the coding strand, the complement: MYH11 is on the minus strand). VCF-style: chr16-15732652-C-A. GRCh37 (hg19) VCF-style: chr16-15826509-C-A.
Other names: p.R1188L:CGG>CTG; c.3584G>T, p.Arg1195Leu (NM_001040113.2, NM_001040114.2); c.3563G>T, p.Arg1188Leu (NM_022844.3); short protein forms R1188L, R1195L.
Identifiers: ClinVar variation 201066 (VCV000201066.3), dbSNP rs746615097, ClinGen allele CA306540.

ClinVar aggregate classification (germline): Uncertain significance. Review status: criteria provided, multiple submitters, no conflicts (2 of 4 stars). 2 submissions from 2 submitters: Uncertain significance (2). Last evaluated 2025-07-21.

Conditions:
Aortic aneurysm, familial thoracic 4 (AAT4). Also called: AORTIC ANEURYSM/AORTIC DISSECTION AND PATENT DUCTUS ARTERIOSUS. Identifiers: MedGen C1851504, MONDO:0007568, OMIM 132900.

Submissions (2):

Labcorp Genetics (formerly Invitae), Labcorp
Classification: Uncertain significance for Aortic aneurysm, familial thoracic 4. Last evaluated: 2025-07-21. Review status: criteria provided, single submitter. Criteria: Invitae Variant Classification Sherloc (09022015). Collection method: clinical testing. Allele origin: germline.
Comment: This sequence change replaces arginine, which is basic and polar, with leucine, which is neutral and non-polar, at codon 1195 of the MYH11 protein (p.Arg1195Leu). This variant is not present in population databases (gnomAD no frequency). This variant has not been reported in the literature in individuals affected with MYH11-related conditions. ClinVar contains an entry for this variant (Variation ID: 201066). Invitae Evidence Modeling of protein sequence and biophysical properties (such as structural, functional, and spatial information, amino acid conservation, physicochemical variation, residue mobility, and thermodynamic stability) indicates that this missense variant is not expected to disrupt MYH11 protein function with a negative predictive value of 95%. In summary, the available evidence is currently insufficient to determine the role of this variant in disease. Therefore, it has been classified as a Variant of Uncertain Significance.

GeneDx
Classification: Uncertain significance. Last evaluated: 2014-06-01. Review status: criteria provided, single submitter. Criteria: GeneDx Variant Classification (06012015). Collection method: clinical testing. Allele origin: germline. Affected: yes.
Comment: p.Arg1188Leu (CGG>CTG): c.3563 G>T in exon 27 of the MYH11 gene (NM_002474.2)A variant of unknown significance has been identified in the MYH11 gene. The R1188L variant has not been published as a mutation, nor has it been reported as a benign polymorphism to our knowledge. The R1188L variant was not observed in approximately 6,500 individuals of European and African American ancestry in the NHLBI Exome Sequencing Project, indicating it is not a common benign variant in these populations. The R1188L variant is a non-conservative amino acid substitution, which is likely to impact secondary protein structure as these residues differ in polarity, charge, size and/or other properties. This substitution occurs at a position that is conserved across species. However, in silico analysis is inconsistent in its predictions as to whether or not the variant is damaging to the protein structure/function. In addition, no missense mutations in nearby residues have been reported in association with familial TAAD. Therefore, based on the currently available information, it is unclear whether this variant is a pathogenic mutation or a rare benign variant. The variant is found in TAAD panel(s).